The following is an entry in ClinVar:

NM_030662.4(MAP2K2):c.349C>T (p.Arg117Cys)

Gene: MAP2K2 (mitogen-activated protein kinase kinase 2; minus strand). Cytogenetic location: 19p13.3.
Variant type: single nucleotide variant.
Coding change: c.349C>T on transcript NM_030662.4 (MANE Select); coding-DNA position 349, C replaced by T.
Protein change: p.Arg117Cys; replaces arginine 117 with cysteine.
Molecular consequence: missense variant.
Genome position (GRCh38, 1-based): chr19:4,110,610, G>A on the plus strand (C>T on the coding strand, the complement: MAP2K2 is on the minus strand). VCF-style: chr19-4110610-G-A. GRCh37 (hg19) VCF-style: chr19-4110608-G-A.
Other names: short protein forms R117C.
Identifiers: ClinVar variation 1524168 (VCV001524168.8), dbSNP rs749389113, ClinGen allele CA9091019.

ClinVar aggregate classification (germline): Uncertain significance (1 of 4 stars; one submission).

Conditions:
RASopathy. Also called: rasopathies; Noonan spectrum disorder. Identifiers: Orphanet 536391, MedGen C5555857, MONDO:0021060.

Allele frequency attached by ClinVar (database versions not stated): gnomAD exomes below 0.00001; TOPMed below 0.00001; ExAC 0.00001; gnomAD 0.00001.
gnomAD v4.1: 6 of 1,613,752 alleles (0.00037%); highest among the groups gnomAD compares: East Asian, 0.0022%; no homozygotes.

Submission:

Labcorp Genetics (formerly Invitae), Labcorp
Classification: Uncertain significance for RASopathy. Last evaluated: 2023-12-20. Review status: criteria provided, single submitter. Criteria: Invitae Variant Classification Sherloc (09022015). Collection method: clinical testing. Allele origin: germline.
Comment: This sequence change replaces arginine, which is basic and polar, with cysteine, which is neutral and slightly polar, at codon 117 of the MAP2K2 protein (p.Arg117Cys). The frequency data for this variant in the population databases is considered unreliable, as metrics indicate poor data quality at this position in the gnomAD database. This variant has not been reported in the literature in individuals affected with MAP2K2-related conditions. ClinVar contains an entry for this variant (Variation ID: 1524168). Advanced modeling performed at Invitae incorporating data from internal and/or published experimental studies (Invitae) indicates that this missense variant is not expected to disrupt MAP2K2 function with a negative predictive value of 95%. In summary, the available evidence is currently insufficient to determine the role of this variant in disease. Therefore, it has been classified as a Variant of Uncertain Significance.